The following is an entry in ClinVar:

NM_004456.5(EZH2):c.2196-244A>G

Gene: EZH2 (enhancer of zeste 2 polycomb repressive complex 2 subunit; minus strand). Cytogenetic location: 7q36.1.
Variant type: single nucleotide variant.
Coding change: c.2196-244A>G on transcript NM_004456.5 (MANE Select); 244 bases into the intron before coding-DNA position 2196, A replaced by G.
Molecular consequence: intron variant.
Genome position (GRCh38, 1-based): chr7:148,807,950, T>C on the plus strand (A>G on the coding strand, the complement: EZH2 is on the minus strand). VCF-style: chr7-148807950-T-C. GRCh37 (hg19) VCF-style: chr7-148505042-T-C.
Other names: c.2154-244A>G (NM_001203248.2); c.2064-244A>G (NM_152998.3); c.2181-244A>G (NM_001203247.2); c.2028-244A>G (NM_001203249.2).
Identifiers: ClinVar variation 677792 (VCV000677792.2), dbSNP rs74580325, ClinGen allele CA168906047.

ClinVar aggregate classification (germline): Likely benign. Review status: criteria provided, multiple submitters, no conflicts (2 of 4 stars). 2 submissions from 2 submitters: Likely benign (2). Last evaluated 2018-06-14.

Allele frequency attached by ClinVar (database versions not stated): gnomAD 0.00944 and 0.01006; TOPMed 0.01033; 1000 Genomes Project 0.01178; 1000 Genomes Project 30x 0.01187.
gnomAD v4.1: 1,427 of 152,232 alleles (0.94%); highest among the groups gnomAD compares: African/African-American, 3.2%; 25 homozygotes.

Submissions (2):

GeneDx
Classification: Likely benign. Last evaluated: 2018-06-14. Review status: criteria provided, single submitter. Criteria: GeneDx Variant Classification (06012015). Collection method: clinical testing. Allele origin: germline. Affected: yes.
Comment: This variant is considered likely benign or benign based on one or more of the following criteria: it is a conservative change, it occurs at a poorly conserved position in the protein, it is predicted to be benign by multiple in silico algorithms, and/or has population frequency not consistent with disease.

Breakthrough Genomics
Classification: Likely benign. Review status: criteria provided, single submitter. Criteria: ACMG Guidelines, 2015. Collection method: not provided. Allele origin: germline. Inheritance: Autosomal dominant inheritance. Affected: yes.